The following is an entry in ClinVar:

NM_001374736.1(DST):c.12307A>G (p.Lys4103Glu)

Genes: DST (dystonin; minus strand), LOC129996656 (ATAC-STARR-seq lymphoblastoid active region 24702; plus strand). Cytogenetic location: 6p12.1.
Variant type: single nucleotide variant.
Coding change: c.12307A>G on transcript NM_001374736.1 (MANE Select); coding-DNA position 12307, A replaced by G.
Protein change: p.Lys4103Glu; replaces lysine 4103 with glutamic acid.
Molecular consequence: missense variant.
Genome position (GRCh38, 1-based): chr6:56,594,082, T>C on the plus strand (A>G on the coding strand, the complement: DST is on the minus strand). VCF-style: chr6-56594082-T-C. GRCh37 (hg19) VCF-style: chr6-56458880-T-C.
Other names: c.5950A>G, p.Lys1984Glu (NM_001144769.5); c.5536A>G, p.Lys1846Glu (NM_001144770.2); c.12307A>G, p.Lys4103Glu (NM_001374722.1); c.11674A>G, p.Lys3892Glu (NM_001374729.1); c.5416A>G, p.Lys1806Glu (NM_001374730.1, NM_183380.4); c.12334A>G, p.Lys4112Glu (NM_001374734.1); c.4438A>G, p.Lys1480Glu (NM_015548.5); c.5950A>G (NM_001144769.2); short protein forms K1846E, K1984E, K4112E, K1480E, K3892E, K4103E, K1806E.
Identifiers: ClinVar variation 968218 (VCV000968218.8), dbSNP rs749297410, ClinGen allele CA3868465.

ClinVar aggregate classification (germline): Uncertain significance. Review status: criteria provided, multiple submitters, no conflicts (2 of 4 stars). 2 submissions from 2 submitters: Uncertain significance (2). Last evaluated 2024-05-22.

Conditions:
Hereditary sensory and autonomic neuropathy type 6. Also called: Neuropathy, hereditary sensory and autonomic, type VI; HSAN VI. Identifiers: Orphanet 314381, MedGen C3539003, MONDO:0013839, OMIM 614653.
Epidermolysis bullosa simplex 3, localized or generalized intermediate, with BP230 deficiency (EBS3). Also called: Epidermolysis bullosa simplex, autosomal recessive 2; Epidermolysis bullosa simplex due to BP230 deficiency. Identifiers: Orphanet 412181, MedGen C3809470, MONDO:0014180, OMIM 615425.
Inborn genetic diseases. Identifiers: MedGen C0950123, MeSH D030342.

Allele frequency attached by ClinVar (database versions not stated): ExAC 0.00001; gnomAD 0.00001; gnomAD exomes 0.00001; TOPMed 0.00001.
gnomAD v4.1: 28 of 1,611,462 alleles (0.0017%); highest among the groups gnomAD compares: East Asian, 0.0045%; no homozygotes.

Submissions (2):

Labcorp Genetics (formerly Invitae), Labcorp
Classification: Uncertain significance for Epidermolysis bullosa simplex 3, localized or generalized intermediate, with BP230 deficiency; Hereditary sensory and autonomic neuropathy type 6. Last evaluated: 2024-05-22. Review status: criteria provided, single submitter. Criteria: Invitae Variant Classification Sherloc (09022015). Collection method: clinical testing. Allele origin: germline.
Comment: The DST gene has multiple clinically relevant transcripts. This variant occurs in alternate transcript NM_015548.4, and corresponds to NM_001723.5:c.*21435A>G in the primary transcript. This sequence change replaces lysine, which is basic and polar, with glutamic acid, which is acidic and polar, at codon 1480 of the DST protein (p.Lys1480Glu). This variant is present in population databases (rs749297410, gnomAD 0.01%). This variant has not been reported in the literature in individuals affected with DST-related conditions. Experimental studies and prediction algorithms are not available or were not evaluated, and the functional significance of this variant is currently unknown. In summary, the available evidence is currently insufficient to determine the role of this variant in disease. Therefore, it has been classified as a Variant of Uncertain Significance.

Ambry Genetics
Classification: Uncertain significance for Inborn genetic diseases. Last evaluated: 2023-02-22. Review status: criteria provided, single submitter. Criteria: Ambry Variant Classification Scheme 2023. Collection method: clinical testing. Allele origin: germline.